The following is an entry in ClinVar:

NM_032043.3(BRIP1):c.3712C>A (p.Pro1238Thr)

Gene: BRIP1 (BRCA1 interacting DNA helicase 1; minus strand). Cytogenetic location: 17q23.2.
Variant type: single nucleotide variant.
Coding change: c.3712C>A on transcript NM_032043.3 (MANE Select); coding-DNA position 3712, C replaced by A.
Protein change: p.Pro1238Thr; replaces proline 1238 with threonine.
Molecular consequence: missense variant.
Genome position (GRCh38, 1-based): chr17:61,683,334, G>T on the plus strand (C>A on the coding strand, the complement: BRIP1 is on the minus strand). VCF-style: chr17-61683334-G-T. GRCh37 (hg19) VCF-style: chr17-59760695-G-T.
Other names: short protein forms P1238T.
Identifiers: ClinVar variation 941346 (VCV000941346.10), dbSNP rs1192747697, ClinGen allele CA400477769.

ClinVar aggregate classification (germline): Uncertain significance (1 of 4 stars; one submission).

Conditions:
Familial cancer of breast. Also called: hereditary breast carcinoma; BREAST CANCER, FAMILIAL; Hereditary breast cancer. Identifiers: Orphanet 227535, MedGen C0346153, MONDO:0016419, OMIM 114480. Disease mechanism: loss of function.
Fanconi anemia complementation group J. Also called: BRIP1-Related Fanconi Anemia. Identifiers: Orphanet 84, MedGen C1836860, MONDO:0012187, OMIM 609054.

Submission:

Labcorp Genetics (formerly Invitae), Labcorp
Classification: Uncertain significance for Familial cancer of breast; Fanconi anemia complementation group J. Last evaluated: 2020-10-06. Review status: criteria provided, single submitter. Criteria: Invitae Variant Classification Sherloc (09022015). Collection method: clinical testing. Allele origin: germline.
Comment: Algorithms developed to predict the effect of missense changes on protein structure and function (SIFT, PolyPhen-2, Align-GVGD) all suggest that this variant is likely to be tolerated, but these predictions have not been confirmed by published functional studies and their clinical significance is uncertain. This variant has not been reported in the literature in individuals with BRIP1-related conditions. This variant is not present in population databases (ExAC no frequency). This sequence change replaces proline with threonine at codon 1238 of the BRIP1 protein (p.Pro1238Thr). The proline residue is weakly conserved and there is a small physicochemical difference between proline and threonine. In summary, the available evidence is currently insufficient to determine the role of this variant in disease. Therefore, it has been classified as a Variant of Uncertain Significance.